The following is an entry in ClinVar:

ClinVar aggregate classification (germline): Uncertain significance (1 of 4 stars; one submission).

Conditions:
Alstrom syndrome (ALMS). Identifiers: Orphanet 64, MedGen C0268425, MONDO:0008763, OMIM 203800.

Submission:

Labcorp Genetics (formerly Invitae), Labcorp
Classification: Uncertain significance for Alstrom syndrome. Last evaluated: 2025-01-17. Review status: criteria provided, single submitter. Criteria: Invitae Variant Classification Sherloc (09022015). Collection method: clinical testing. Allele origin: germline.
Comment: This sequence change replaces proline, which is neutral and non-polar, with serine, which is neutral and polar, at codon 1492 of the ALMS1 protein (p.Pro1492Ser). This variant is not present in population databases (gnomAD no frequency). This variant has not been reported in the literature in individuals affected with ALMS1-related conditions. An algorithm developed to predict the effect of missense changes on protein structure and function outputs the following: PolyPhen-2: "Not Available". The serine amino acid residue is found in multiple mammalian species, which suggests that this missense change does not adversely affect protein function. In summary, the available evidence is currently insufficient to determine the role of this variant in disease. Therefore, it has been classified as a Variant of Uncertain Significance.

NM_001378454.1(ALMS1):c.4471C>T (p.Pro1491Ser)

Gene: ALMS1 (ALMS1 centrosome and basal body associated protein; plus strand). Cytogenetic location: 2p13.1.
Variant type: single nucleotide variant.
Coding change: c.4471C>T on transcript NM_001378454.1 (MANE Select); coding-DNA position 4471, C replaced by T.
Protein change: p.Pro1491Ser; replaces proline 1491 with serine.
Molecular consequence: missense variant.
Genome position (GRCh38, 1-based): chr2:73,450,998, C>T. VCF-style: chr2-73450998-C-T. GRCh37 (hg19) VCF-style: chr2-73678125-C-T.
Other names: c.4474C>T, p.Pro1492Ser (NM_015120.4); short protein forms P1492S, P1491S.
Identifiers: ClinVar variation 3684872 (VCV003684872.2).
Genomic context (GRCh38, chr2:73,450,998, plus strand): 5'-GTAACCTCCCCTTCCAGCTCATTTGGAGAGAAGCCCATTGTTATCTACAAACAGGCCTTT[C>T]CAGAGGGTCATCTACCTGAAGAGTCTCTGAAAGTTTCAGTTGCTCCTGGACCAGTTGGCC-3'
Protein context (NP_001365383.1, residues 1481-1501): KPIVIYKQAF[Pro1491Ser]EGHLPEESLK